The following is an entry in ClinVar:

ClinVar aggregate classification (germline): Likely benign. Review status: criteria provided, multiple submitters, no conflicts (2 of 4 stars). 2 submissions from 2 submitters: Likely benign (2). Last evaluated 2025-11-16.

Conditions:
MYH7B-related disorder. Also called: MYH7B-related condition.

Allele frequency attached by ClinVar (database versions not stated): gnomAD exomes 0.00008; ExAC 0.00015; ESP Exome Variant Server 0.00062; gnomAD 0.00078; TOPMed 0.00090; 1000 Genomes Project 0.00100; 1000 Genomes Project 30x 0.00125.
gnomAD v4.1: 242 of 1,613,592 alleles (0.015%); highest among the groups gnomAD compares: African/African-American, 0.24%; no homozygotes.

Submissions (2):

Labcorp Genetics (formerly Invitae), Labcorp
Classification: Likely benign. Last evaluated: 2025-11-16. Review status: criteria provided, single submitter. Criteria: Invitae Variant Classification Sherloc (09022015). Collection method: clinical testing. Allele origin: germline.

PreventionGenetics, part of Exact Sciences
Classification: Likely benign for MYH7B-related condition. Last evaluated: 2025-09-03. Review status: criteria provided, single submitter. Criteria: ACMG Guidelines, 2015. Collection method: clinical testing. Allele origin: germline.
Comment: This variant is classified as likely benign based on ACMG/AMP sequence variant interpretation guidelines (Richards et al. 2015 PMID: 25741868, with internal and published modifications).

NM_020884.7(MYH7B):c.3206C>T (p.Thr1069Met)

Gene: MYH7B (myosin heavy chain 7B; plus strand). Cytogenetic location: 20q11.22.
Variant type: single nucleotide variant.
Coding change: c.3206C>T on transcript NM_020884.7 (MANE Select); coding-DNA position 3206, C replaced by T.
Protein change: p.Thr1069Met; replaces threonine 1069 with methionine.
Molecular consequence: missense variant.
Genome position (GRCh38, 1-based): chr20:34,996,698, C>T. VCF-style: chr20-34996698-C-T. GRCh37 (hg19) VCF-style: chr20-33584501-C-T.
Other names: c.3332C>T (NM_020884.4); short protein forms T1069M.
Identifiers: ClinVar variation 2197779 (VCV002197779.5), dbSNP rs199682367, ClinGen allele CA9827663.